The following is an entry in ClinVar:

NM_022166.4(XYLT1):c.2027G>A (p.Arg676Gln)

Gene: XYLT1 (xylosyltransferase 1; minus strand). Cytogenetic location: 16p12.3.
Variant type: single nucleotide variant.
Coding change: c.2027G>A on transcript NM_022166.4 (MANE Select); coding-DNA position 2027, G replaced by A.
Protein change: p.Arg676Gln; replaces arginine 676 with glutamine.
Molecular consequence: missense variant.
Genome position (GRCh38, 1-based): chr16:17,134,473, C>T on the plus strand (G>A on the coding strand, the complement: XYLT1 is on the minus strand). VCF-style: chr16-17134473-C-T. GRCh37 (hg19) VCF-style: chr16-17228330-C-T.
Other names: c.2027G>A (NM_022166.3); short protein forms R676Q.
Identifiers: ClinVar variation 2142099 (VCV002142099.2), dbSNP rs765771864, ClinGen allele CA7927700.

ClinVar aggregate classification (germline): Uncertain significance. Review status: criteria provided, multiple submitters, no conflicts (2 of 4 stars). 2 submissions from 2 submitters: Uncertain significance (2). Last evaluated 2022-07-19.

Conditions:
Inborn genetic diseases. Identifiers: MedGen C0950123, MeSH D030342.
Desbuquois dysplasia 1 (DBQD1). Also called: DESBUQUOIS DYSPLASIA 1, KIM VARIANT; MICROMELIC DWARFISM WITH VERTEBRAL AND METAPHYSEAL ABNORMALITIES AND ADVANCED CARPOTARSAL OSSIFICATION. Identifiers: Orphanet 1425, MedGen C4012146, MONDO:0009629, OMIM 251450.

Allele frequency attached by ClinVar (database versions not stated): TOPMed 0.00002; ExAC 0.00003; gnomAD 0.00003.
gnomAD v4.1: 59 of 1,613,808 alleles (0.0037%); highest among the groups gnomAD compares: Non-Finnish European, 0.0042%; no homozygotes.

Submissions (2):

Labcorp Genetics (formerly Invitae), Labcorp
Classification: Uncertain significance for Desbuquois dysplasia 1. Last evaluated: 2022-07-19. Review status: criteria provided, single submitter. Criteria: Invitae Variant Classification Sherloc (09022015). Collection method: clinical testing. Allele origin: germline.
Comment: This sequence change replaces arginine, which is basic and polar, with glutamine, which is neutral and polar, at codon 676 of the XYLT1 protein (p.Arg676Gln). This variant also falls at the last nucleotide of exon 9, which is part of the consensus splice site for this exon. This variant is present in population databases (rs765771864, gnomAD 0.007%). This variant has not been reported in the literature in individuals affected with XYLT1-related conditions. Algorithms developed to predict the effect of missense changes on protein structure and function are either unavailable or do not agree on the potential impact of this missense change (SIFT: "Tolerated"; PolyPhen-2: "Possibly Damaging"; Align-GVGD: "Class C0"). Variants that disrupt the consensus splice site are a relatively common cause of aberrant splicing (PMID: 17576681, 9536098). Algorithms developed to predict the effect of sequence changes on RNA splicing suggest that this variant may disrupt the consensus splice site. In summary, the available evidence is currently insufficient to determine the role of this variant in disease. Therefore, it has been classified as a Variant of Uncertain Significance.

Ambry Genetics
Classification: Uncertain significance for Inborn genetic diseases. Last evaluated: 2021-07-13. Review status: criteria provided, single submitter. Criteria: Ambry Variant Classification Scheme 2023. Collection method: clinical testing. Allele origin: germline.
Comment: The c.2027G>A (p.R676Q) alteration is located in exon 9 (coding exon 9) of the XYLT1 gene. This alteration consists of a G to A substitution at nucleotide position 2027, causing the arginine (R) at amino acid position 676 to be replaced by a glutamine (Q). However, this change occurs in the last nucleotide of exon9, which makes it likely to have some effect on normal mRNA splicing. Based on data from the Genome Aggregation Database (gnomAD) database, the XYLT1 c.2027G>A alteration was observed in <0.01% (8/281150) of total alleles studied, with a frequency of 0.01% (2/30592) in the South Asian subpopulation. The p.R676Q alteration is predicted to be tolerated by in silico analysis. Based on insufficient or conflicting evidence, the clinical significance of this alteration remains unclear.

Literature cited by the submitters: PubMed 17576681 (cited by Labcorp Genetics (formerly Invitae), Labcorp); PubMed 9536098 (cited by Labcorp Genetics (formerly Invitae), Labcorp).